The following is an entry in ClinVar:

NM_000059.4(BRCA2):c.2253_2254del (p.Asp752fs)

Gene: BRCA2 (BRCA2 DNA repair associated; plus strand). Cytogenetic location: 13q13.1.
Variant type: Deletion.
Coding change: c.2253_2254del on transcript NM_000059.4 (MANE Select); coding-DNA positions 2253 to 2254, 2 bases deleted (TG; older notation c.2253_2254delTG).
Protein change: p.Asp752fs; shifts the reading frame from aspartic acid 752.
Molecular consequence: frameshift variant.
Genome position (GRCh38, 1-based): chr13:32,336,608-32,336,609, TG deleted. VCF-style (leftmost placement, unchanged base first): chr13-32336607-CTG-C. GRCh37 (hg19) VCF-style: chr13-32910744-CTG-C.
Other names: 2481delTG; c.2253_2254delTG (NM_000059.3); short protein forms D752fs.
Identifiers: ClinVar variation 91773 (VCV000091773.13), dbSNP rs398122744, ClinGen allele CA014756.

ClinVar aggregate classification (germline): Pathogenic. Review status: reviewed by expert panel (3 of 4 stars). 7 submissions from 7 submitters: Pathogenic (1). 6 of the submissions do not count toward it. Last evaluated 2016-09-08.

Conditions:
Hereditary cancer-predisposing syndrome. Also called: Tumor predisposition; Hereditary Cancer Syndrome; Neoplastic Syndromes, Hereditary; Hereditary neoplastic syndrome. Identifiers: Orphanet 140162, MedGen C0027672, MeSH D009386, MONDO:0015356.
Hereditary breast ovarian cancer syndrome. Also called: Breast and ovarian cancer; Hereditary breast and ovarian cancer; Hereditary breast and ovarian cancer syndrome; BRCA1- and BRCA2-Associated Hereditary Breast and Ovarian Cancer; Hereditary breast and ovarian cancer syndrome (HBOC); Hereditary breast and/or ovarian cancer syndrome. Identifiers: Orphanet 145, MedGen C0677776, MeSH D061325, MONDO:0003582. Disease mechanism: loss of function.
Familial cancer of breast. Also called: BREAST CANCER, FAMILIAL; hereditary breast carcinoma; Hereditary breast cancer. Identifiers: Orphanet 227535, MedGen C0346153, MONDO:0016419, OMIM 114480. Disease mechanism: loss of function.
Breast-ovarian cancer, familial, susceptibility to, 2 (BROVCA2). Also called: BRCA2 Hereditary Breast and Ovarian Cancer. Identifiers: Orphanet 145, MedGen C2675520, MONDO:0012933, OMIM 612555. Disease mechanism: loss of function.

Submissions (7):

Evidence-based Network for the Interpretation of Germline Mutant Alleles (ENIGMA)
Classification: Pathogenic for Breast-ovarian cancer, familial, susceptibility to, 2. Last evaluated: 2016-09-08. Review status: reviewed by expert panel. Criteria: ENIGMA BRCA1/2 Classification Criteria (2015). Collection method: curation. Allele origin: germline.
Comment: Variant allele predicted to encode a truncated non-functional protein.

Ambry Genetics
Classification: Pathogenic for Hereditary cancer-predisposing syndrome. Last evaluated: 2024-03-19. Review status: criteria provided, single submitter. Criteria: Ambry Variant Classification Scheme 2023. Collection method: clinical testing. Allele origin: germline. Not counted in ClinVar's aggregate classification.
Comment: The c.2253_2254delTG pathogenic mutation, located in coding exon 10 of the BRCA2 gene, results from a deletion of two nucleotides at nucleotide positions 2253 to 2254, causing a translational frameshift with a predicted alternate stop codon (p.D752Lfs*10). This variant is considered to be rare based on population cohorts in the Genome Aggregation Database (gnomAD). This alteration is expected to result in loss of function by premature protein truncation or nonsense-mediated mRNA decay. As such, this alteration is interpreted as a disease-causing mutation.

Baylor Genetics
Classification: Likely pathogenic for Familial cancer of breast. Last evaluated: 2023-12-22. Review status: criteria provided, single submitter. Criteria: ACMG Guidelines, 2015. Collection method: clinical testing. Allele origin: unknown. Not counted in ClinVar's aggregate classification.

Labcorp Genetics (formerly Invitae), Labcorp
Classification: Pathogenic for Hereditary breast ovarian cancer syndrome. Last evaluated: 2021-11-27. Review status: criteria provided, single submitter. Criteria: Invitae Variant Classification Sherloc (09022015). Collection method: clinical testing. Allele origin: germline. Not counted in ClinVar's aggregate classification.
Comment: For these reasons, this variant has been classified as Pathogenic. ClinVar contains an entry for this variant (Variation ID: 91773). This variant has not been reported in the literature in individuals affected with BRCA2-related conditions. This variant is not present in population databases (gnomAD no frequency). This sequence change creates a premature translational stop signal (p.Asp752Leufs*10) in the BRCA2 gene. It is expected to result in an absent or disrupted protein product. Loss-of-function variants in BRCA2 are known to be pathogenic (PMID: 20104584).

Women's Health and Genetics/Laboratory Corporation of America, LabCorp
Classification: Likely pathogenic for Hereditary breast and ovarian cancer syndrome. Last evaluated: 2018-03-01. Review status: criteria provided, single submitter. Criteria: LabCorp Variant Classification Summary - May 2015. Collection method: clinical testing. Allele origin: germline. Not counted in ClinVar's aggregate classification.
Comment: Variant summary: BRCA2 c.2253_2254delTG (p.Asp752LeufsX10) results in a premature termination codon, predicted to cause a truncation of the encoded protein or absence of the protein due to nonsense mediated decay, which are commonly known mechanisms for disease. Truncations downstream of this position have been classified as pathogenic by our laboratory (eg. c.2287delC, p.His763fsX9; c.2330dupA, p.Asp777fsX11; c.2368G>T, p.Glu790X). The variant was absent in 277038 control chromosomes. To our knowledge, no occurrence of c.2253_2254delTG in individuals affected with Hereditary Breast and Ovarian Cancer and no experimental evidence demonstrating its impact on protein function have been reported. Two clinical diagnostic laboratories have submitted clinical-significance assessments for this variant to ClinVar after 2014 without evidence for independent evaluation. All laboratories classified the variant as pathogenic. Based on the evidence outlined above, the variant was classified as likely pathogenic.

GeneDx
Classification: Pathogenic. Last evaluated: 2016-10-07. Review status: criteria provided, single submitter. Criteria: GeneDx Variant Classification (06012015). Collection method: clinical testing. Allele origin: germline. Affected: yes. Not counted in ClinVar's aggregate classification.
Comment: This deletion of 2 nucleotides in BRCA2 is denoted c.2253_2254delTG at the cDNA level and p.Asp752LeufsX10 (D752LfsX10) at the protein level. The normal sequence, with the bases that are deleted in braces, is ATAC[TG]ACTT. Using alternate nomenclature, this variant would be defined as BRCA2 2481delTG. The deletion causes a frameshift which changes an Aspartic Acid to a Leucine at codon 752, and creates a premature stop codon at position 10 of the new reading frame. Although this variant has not, to our knowledge, been reported in the literature, it is predicted to cause loss of normal protein function through either protein truncation or nonsense-mediated mRNA decay. We consider this variant to be pathogenic.

Sharing Clinical Reports Project (SCRP)
Classification: Pathogenic for Breast-ovarian cancer, familial 2. Last evaluated: 2011-09-23. Review status: no assertion criteria provided. Collection method: clinical testing. Allele origin: germline. Not counted in ClinVar's aggregate classification.

Literature cited by the submitters: PubMed 20104584 (cited by Labcorp Genetics (formerly Invitae), Labcorp).